The following is an entry in ClinVar:

NM_005908.4(MANBA):c.2057del (p.Asn686fs)

Gene: MANBA (mannosidase beta; minus strand). Cytogenetic location: 4q24.
Variant type: Deletion.
Coding change: c.2057del on transcript NM_005908.4 (MANE Select); coding-DNA position 2057, one base deleted (A; older notation c.2057delA).
Protein change: p.Asn686fs; shifts the reading frame from asparagine 686.
Molecular consequence: frameshift variant.
Genome position (GRCh38, 1-based): chr4:102,635,965, T deleted on the plus strand (A on the coding strand, the reverse complement: MANBA is on the minus strand); the first of 2 consecutive T bases (chr4:102,635,965-102,635,966); deleting either gives the same sequence. VCF-style (leftmost placement, unchanged base first): chr4-102635964-AT-A. GRCh37 (hg19) VCF-style: chr4-103557121-AT-A.
Other names: short protein forms N686fs.
Identifiers: ClinVar variation 2849930 (VCV002849930.3), dbSNP rs2476721748, ClinGen allele CA2739270200.

ClinVar aggregate classification (germline): Pathogenic (1 of 4 stars; one submission).

Conditions:
Beta-D-mannosidosis (MANSB). Also called: MANNOSIDOSIS, BETA A, LYSOSOMAL; BETA-MANNOSIDASE DEFICIENCY; LYSOSOMAL BETA-MANNOSIDASE DEFICIENCY; Beta-Mannosidosis. Identifiers: Orphanet 118, MedGen C4048196, MONDO:0009562, OMIM 248510.

Submission:

Labcorp Genetics (formerly Invitae), Labcorp
Classification: Pathogenic for Beta-D-mannosidosis. Last evaluated: 2023-03-27. Review status: criteria provided, single submitter. Criteria: Invitae Variant Classification Sherloc (09022015). Collection method: clinical testing. Allele origin: germline.
Comment: This sequence change creates a premature translational stop signal (p.Asn686Ilefs*9) in the MANBA gene. It is expected to result in an absent or disrupted protein product. Loss-of-function variants in MANBA are known to be pathogenic (PMID: 9384606, 12468273). For these reasons, this variant has been classified as Pathogenic. This variant has not been reported in the literature in individuals affected with MANBA-related conditions. This variant is not present in population databases (gnomAD no frequency).

Literature cited by the submitters: PubMed 9384606; PubMed 12468273.